The following is an entry in ClinVar:

NM_001079843.3(CASZ1):c.140G>A (p.Arg47Gln)

Gene: CASZ1 (castor zinc finger 1; minus strand). Cytogenetic location: 1p36.22.
Variant type: single nucleotide variant.
Coding change: c.140G>A on transcript NM_001079843.3 (MANE Select); coding-DNA position 140, G replaced by A.
Protein change: p.Arg47Gln; replaces arginine 47 with glutamine.
Molecular consequence: missense variant.
Genome position (GRCh38, 1-based): chr1:10,665,448, C>T on the plus strand (G>A on the coding strand, the complement: CASZ1 is on the minus strand). VCF-style: chr1-10665448-C-T. GRCh37 (hg19) VCF-style: chr1-10725505-C-T.
Other names: c.140G>A, p.Arg47Gln (NM_017766.5); short protein forms R47Q.
Identifiers: ClinVar variation 3485381 (VCV003485381.2).

ClinVar aggregate classification (germline): Uncertain significance. Review status: criteria provided, multiple submitters, no conflicts (2 of 4 stars). 2 submissions from 2 submitters: Uncertain significance (2). Last evaluated 2025-06-10.

gnomAD v4.1: 30 of 1,610,542 alleles (0.0019%); highest among the groups gnomAD compares: Admixed American, 0.0067%; no homozygotes.

Submissions (2):

Labcorp Genetics (formerly Invitae), Labcorp
Classification: Uncertain significance. Last evaluated: 2025-06-10. Review status: criteria provided, single submitter. Criteria: Invitae Variant Classification Sherloc (09022015). Collection method: clinical testing. Allele origin: germline.
Comment: This sequence change replaces arginine, which is basic and polar, with glutamine, which is neutral and polar, at codon 47 of the CASZ1 protein (p.Arg47Gln). This variant is present in population databases (rs754354101, gnomAD 0.007%). This variant has not been reported in the literature in individuals affected with CASZ1-related conditions. ClinVar contains an entry for this variant (Variation ID: 3485381). An algorithm developed to predict the effect of missense changes on protein structure and function (PolyPhen-2) suggests that this variant is likely to be tolerated. In summary, the available evidence is currently insufficient to determine the role of this variant in disease. Therefore, it has been classified as a Variant of Uncertain Significance.

Ambry Genetics
Classification: Uncertain significance. Last evaluated: 2024-07-27. Review status: criteria provided, single submitter. Criteria: Ambry Variant Classification Scheme 2023. Collection method: clinical testing. Allele origin: germline.